The following is an entry in ClinVar:

NM_000435.3(NOTCH3):c.124C>T (p.Pro42Ser)

Gene: NOTCH3 (notch receptor 3; minus strand). Cytogenetic location: 19p13.12.
Variant type: single nucleotide variant.
Coding change: c.124C>T on transcript NM_000435.3 (MANE Select); coding-DNA position 124, C replaced by T.
Protein change: p.Pro42Ser; replaces proline 42 with serine.
Molecular consequence: missense variant.
Genome position (GRCh38, 1-based): chr19:15,197,573, G>A on the plus strand (C>T on the coding strand, the complement: NOTCH3 is on the minus strand). VCF-style: chr19-15197573-G-A. GRCh37 (hg19) VCF-style: chr19-15308384-G-A.
Other names: short protein forms P42S.
Identifiers: ClinVar variation 3201370 (VCV003201370.2), dbSNP rs372995747, ClinGen allele CA9263995.

ClinVar aggregate classification (germline): Uncertain significance. Review status: criteria provided, multiple submitters, no conflicts (2 of 4 stars). 2 submissions from 2 submitters: Uncertain significance (2). Last evaluated 2026-04-25.

Conditions:
NOTCH3-related disorder. Also called: NOTCH3-related disorders; NOTCH3-related condition.
Inborn genetic diseases. Identifiers: MedGen C0950123, MeSH D030342.

Allele frequency attached by ClinVar (database versions not stated): 1000 Genomes Project 0.00020; 1000 Genomes Project 30x 0.00031.
gnomAD v4.1: 7 of 1,611,590 alleles (0.00043%); highest among the groups gnomAD compares: Admixed American, 0.0033%; no homozygotes.

Submissions (2):

PreventionGenetics, part of Exact Sciences
Classification: Uncertain significance for NOTCH3-related condition. Last evaluated: 2026-04-25. Review status: criteria provided, single submitter. Criteria: ACMG Guidelines, 2015. Collection method: clinical testing. Allele origin: germline.
Comment: The NOTCH3 c.124C>T variant is predicted to result in the amino acid substitution p.Pro42Ser. To our knowledge, this variant has not been reported in the literature. This variant is reported in 0.0033% of alleles in individuals of South Asian descent in gnomAD. At this time, the clinical significance of this variant is uncertain due to the absence of conclusive functional and genetic evidence.

Ambry Genetics
Classification: Uncertain significance for Inborn genetic diseases. Last evaluated: 2024-03-01. Review status: criteria provided, single submitter. Criteria: Ambry Variant Classification Scheme 2023. Collection method: clinical testing. Allele origin: germline.